The following is an entry in ClinVar:

ClinVar aggregate classification (germline): Uncertain significance. Review status: criteria provided, multiple submitters, no conflicts (2 of 4 stars). 5 submissions from 5 submitters: Uncertain significance (5). Last evaluated 2025-12-03.

Conditions:
Classic or attenuated familial adenomatous polyposis. Identifiers: MedGen CN372698, MONDO:0021057.
Hereditary cancer-predisposing syndrome. Also called: Tumor predisposition; Hereditary Cancer Syndrome; Hereditary neoplastic syndrome; Neoplastic Syndromes, Hereditary. Identifiers: Orphanet 140162, MedGen C0027672, MeSH D009386, MONDO:0015356.
Familial adenomatous polyposis 1 (FAP1). Also called: FAMILIAL ADENOMATOUS POLYPOSIS 1, ATTENUATED; POLYPOSIS, ADENOMATOUS INTESTINAL. Identifiers: MedGen C2713442, MONDO:0021056, OMIM 175100. Disease mechanism: loss of function.

Allele frequency attached by ClinVar (database versions not stated): gnomAD exomes below 0.00001; gnomAD 0.00001; TOPMed 0.00002; ESP Exome Variant Server 0.00008.
gnomAD v4.1: 4 of 1,614,052 alleles (0.00025%); highest among the groups gnomAD compares: African/African-American, 0.0053%; no homozygotes.

Submissions (5):

Labcorp Genetics (formerly Invitae), Labcorp
Classification: Uncertain significance for Familial adenomatous polyposis 1. Last evaluated: 2025-12-03. Review status: criteria provided, single submitter. Criteria: Invitae Variant Classification Sherloc (09022015). Collection method: clinical testing. Allele origin: germline.
Comment: This sequence change replaces glutamine, which is neutral and polar, with leucine, which is neutral and non-polar, at codon 1752 of the APC protein (p.Gln1752Leu). This variant is present in population databases (rs139552305, gnomAD 0.007%). This variant has not been reported in the literature in individuals affected with APC-related conditions. ClinVar contains an entry for this variant (Variation ID: 486773). Invitae Evidence Modeling of protein sequence and biophysical properties (such as structural, functional, and spatial information, amino acid conservation, physicochemical variation, residue mobility, and thermodynamic stability) indicates that this missense variant is not expected to disrupt APC protein function with a negative predictive value of 95%. In summary, the available evidence is currently insufficient to determine the role of this variant in disease. Therefore, it has been classified as a Variant of Uncertain Significance.

Ambry Genetics
Classification: Uncertain significance for Hereditary cancer-predisposing syndrome. Last evaluated: 2025-09-29. Review status: criteria provided, single submitter. Criteria: Ambry Variant Classification Scheme 2023. Collection method: clinical testing. Allele origin: germline.
Comment: The p.Q1752L variant (also known as c.5255A>T), located in coding exon 15 of the APC gene, results from an A to T substitution at nucleotide position 5255. The glutamine at codon 1752 is replaced by leucine, an amino acid with dissimilar properties. This amino acid position is not well conserved in available vertebrate species. In addition, in silico predictors for this gene do not accurately predict pathogenicity. Since supporting evidence is limited at this time, the clinical significance of this alteration remains unclear.

All of Us Research Program, National Institutes of Health
Classification: Uncertain significance for Classic or attenuated familial adenomatous polyposis. Last evaluated: 2024-04-16. Review status: criteria provided, single submitter. Criteria: ACMG Guidelines, 2015. Collection method: clinical testing. Allele origin: germline. Inheritance: Autosomal dominant inheritance. Observed: 3 variant alleles, 3 heterozygotes.
Comment: This missense variant replaces glutamine with leucine at codon 1752 of the APC protein. Computational prediction suggests that this variant may not impact protein structure and function (internally defined REVEL score threshold <= 0.5, PMID: 27666373). To our knowledge, functional studies have not been reported for this variant. This variant has not been reported in individuals affected with APC-related disorders in the literature. This variant has been identified in 1/250594 chromosomes in the general population by the Genome Aggregation Database (gnomAD). The available evidence is insufficient to determine the role of this variant in disease conclusively. Therefore, this variant is classified as a Variant of Uncertain Significance.

This study involves interpretation of variants in research participants for the purpose of population health screening. Participant phenotype was not available at the time of variant classification. Additional details can be found in publication PMID: 35346344, PMCID: PMC8962531

Color Diagnostics, LLC DBA Color Health
Classification: Uncertain significance for Hereditary cancer-predisposing syndrome. Last evaluated: 2024-03-20. Review status: criteria provided, single submitter. Criteria: ACMG Guidelines, 2015. Collection method: clinical testing. Allele origin: germline.
Comment: This missense variant replaces glutamine with leucine at codon 1752 of the APC protein. Computational prediction suggests that this variant may not impact protein structure and function (internally defined REVEL score threshold <= 0.5, PMID: 27666373). To our knowledge, functional studies have not been reported for this variant. This variant has not been reported in individuals affected with APC-related disorders in the literature. This variant has been identified in 1/250594 chromosomes in the general population by the Genome Aggregation Database (gnomAD). The available evidence is insufficient to determine the role of this variant in disease conclusively. Therefore, this variant is classified as a Variant of Uncertain Significance.

GeneDx
Classification: Uncertain significance. Last evaluated: 2023-11-13. Review status: criteria provided, single submitter. Criteria: GeneDx Variant Classification Process June 2021. Collection method: clinical testing. Allele origin: germline. Affected: yes.
Comment: Not observed at significant frequency in large population cohorts (gnomAD); In silico analysis supports that this missense variant does not alter protein structure/function; Has not been previously published as pathogenic or benign to our knowledge; This variant is associated with the following publications: (PMID: 18199528)

NM_000038.6(APC):c.5255A>T (p.Gln1752Leu)

Gene: APC (APC regulator of Wnt signaling pathway; plus strand). Cytogenetic location: 5q22.2.
Variant type: single nucleotide variant.
Coding change: c.5255A>T on transcript NM_000038.6 (MANE Select); coding-DNA position 5255, A replaced by T.
Protein change: p.Gln1752Leu; replaces glutamine 1752 with leucine.
Molecular consequence: missense variant.
Genome position (GRCh38, 1-based): chr5:112,840,849, A>T. VCF-style: chr5-112840849-A-T. GRCh37 (hg19) VCF-style: chr5-112176546-A-T.
Other names: c.5255A>T, p.Gln1752Leu (NM_001127510.3, NM_001354895.2); c.5201A>T, p.Gln1734Leu (NM_001127511.3); c.5309A>T, p.Gln1770Leu (NM_001354896.2); c.5285A>T, p.Gln1762Leu (NM_001354897.2); c.5180A>T, p.Gln1727Leu (NM_001354898.2); c.5171A>T, p.Gln1724Leu (NM_001354899.2); c.5132A>T, p.Gln1711Leu (NM_001354900.2); c.5078A>T, p.Gln1693Leu (NM_001354901.2); and 5 more; short protein forms Q1752L, Q1734L, Q1592L, Q1770L, Q1469L, Q1661L, Q1693L, Q1711L.
Identifiers: ClinVar variation 486773 (VCV000486773.61), dbSNP rs139552305, ClinGen allele CA16032826.